The following is an entry in ClinVar:

NM_000548.5(TSC2):c.599+5G>A

Gene: TSC2 (TSC complex subunit 2; plus strand). Cytogenetic location: 16p13.3.
Variant type: single nucleotide variant.
Coding change: c.599+5G>A on transcript NM_000548.5 (MANE Select); 5 bases into the intron after coding-DNA position 599, G replaced by A.
Molecular consequence: intron variant.
Genome position (GRCh38, 1-based): chr16:2,055,524, G>A. VCF-style: chr16-2055524-G-A. GRCh37 (hg19) VCF-style: chr16-2105525-G-A.
Other names: c.599+5G>A (NM_001114382.3, NM_021055.3, NM_001370405.1 and 3 more transcripts); c.488+5G>A (NM_001318827.2); c.-1-672G>A (NM_001318831.2); c.452+5G>A (NM_001318829.2); c.632+5G>A (NM_001318832.2).
Identifiers: ClinVar variation 49877 (VCV000049877.11), dbSNP rs45463996, ClinGen allele CA022643.

ClinVar aggregate classification (germline): Pathogenic/Likely pathogenic. Review status: criteria provided, multiple submitters, no conflicts (2 of 4 stars). 6 submissions from 6 submitters: Pathogenic (2); Likely pathogenic (3). 1 of the submissions does not count toward it. Last evaluated 2026-10-01.

Conditions:
Tuberous sclerosis syndrome (TSC). Also called: Tuberous Sclerosis Complex; Tuberous sclerosis. Identifiers: Orphanet 805, MedGen C0041341, MONDO:0001734.
Tuberous sclerosis 2 (TSC2). Identifiers: Orphanet 805, MedGen C1860707, MONDO:0013199, OMIM 613254.

Submissions (6):

CeGaT Center for Human Genetics Tuebingen
Classification: Likely pathogenic. Last evaluated: 2026-10-01. Review status: criteria provided, single submitter. Criteria: CeGaT Center For Human Genetics Tuebingen Variant Classification Criteria Version 2. Collection method: clinical testing. Allele origin: germline. Affected: yes. Observed: 1 variant allele.
Comment: TSC2: PM2, PS4:Moderate, PVS1:Moderate, PP4

GeneDx
Classification: Pathogenic. Last evaluated: 2025-06-27. Review status: criteria provided, single submitter. Criteria: GeneDx Variant Classification Process June 2021. Collection method: clinical testing. Allele origin: germline. Affected: yes.
Comment: Reported previously in several family members with tuberous sclerosis complex (PMID: 35596872); Canonical splice site variant predicted to result in a null allele in a gene for which loss of function is a known mechanism of disease; Not observed at significant frequency in large population cohorts (gnomAD); This variant is associated with the following publications: (PMID: 25525159, 29432982, 35596872)

MVZ Medizinische Genetik Mainz
Classification: Likely pathogenic for Tuberous sclerosis 2. Last evaluated: 2024-10-28. Review status: criteria provided, single submitter. Criteria: UK Practice Guidelines For Variant Classification V4 01 2020. Collection method: clinical testing. Allele origin: germline. Inheritance: Autosomal dominant inheritance. Affected: yes. Observed: 1 variant allele.
Comment: ACMG Criteria: PS3_MOD,PS4_MOD,PM2_SUP_MOD,PP4

Labcorp Genetics (formerly Invitae), Labcorp
Classification: Likely pathogenic for Tuberous sclerosis 2. Last evaluated: 2024-07-22. Review status: criteria provided, single submitter. Criteria: Invitae Variant Classification Sherloc (09022015). Collection method: clinical testing. Allele origin: germline.
Comment: This sequence change falls in intron 6 of the TSC2 gene. It does not directly change the encoded amino acid sequence of the TSC2 protein. It affects a nucleotide within the consensus splice site. This variant is not present in population databases (gnomAD no frequency). This variant has been observed in individual(s) with Tuberous sclerosis complex (PMID: 35596872; Invitae). It has also been observed to segregate with disease in related individuals. ClinVar contains an entry for this variant (Variation ID: 49877). Variants that disrupt the consensus splice site are a relatively common cause of aberrant splicing (PMID: 17576681, 9536098). Studies have shown that this variant is associated with inconclusive levels of altered splicing (PMID: 35596872). In summary, the currently available evidence indicates that the variant is pathogenic, but additional data are needed to prove that conclusively. Therefore, this variant has been classified as Likely Pathogenic.

Laboratorio de Genética, Hospital Universitario Reina Sofía
Classification: Pathogenic for Tuberous sclerosis 2. Last evaluated: 2022-06-09. Review status: criteria provided, single submitter. Criteria: ACMG Guidelines, 2015. Collection method: clinical testing. Allele origin: paternal. Inheritance: Autosomal dominant inheritance. Affected: yes. Observed: 1 variant allele, 1 heterozygote.
Comment: NM_000548.5(TSC2):c.599+5G>A is classified as Pathogenic. The variant is a non-canonical splice-region change that has been functionally demonstrated to cause abnormal splicing in vitro (PS3_Strong). The variant is absent or extremely rare in population databases (PM2_Moderate), and computational tools support a splicing impact (PP3_Supporting)

Tuberous sclerosis database (TSC2)
No classification provided. Condition: TSC. Review status: no classification provided. Criteria: Tuberous Sclerosis Database Assertion Criteria 2015. Collection method: curation. Allele origin: germline. Affected: yes. Not counted in ClinVar's aggregate classification.

Literature cited by the submitters: PubMed 35596872 (cited by Labcorp Genetics (formerly Invitae), Labcorp); PubMed 17576681 (cited by Labcorp Genetics (formerly Invitae), Labcorp); PubMed 9536098 (cited by Labcorp Genetics (formerly Invitae), Labcorp).